The following is an entry in ClinVar:

ClinVar aggregate classification (germline): Uncertain significance (1 of 4 stars; one submission).

Conditions:
Immunodeficiency 35 (IMD35). Also called: Susceptibility to infection due to TYK2 deficiency; HIES WITH ATYPICAL MYCOBACTERIOSIS, AUTOSOMAL RECESSIVE; HYPER-IgE SYNDROME WITH ATYPICAL MYCOBACTERIOSIS, AUTOSOMAL RECESSIVE; TYK2 DEFICIENCY. Identifiers: Orphanet 331226, MedGen C1969086, MONDO:0012682, OMIM 611521.

gnomAD v4.1: 1 of 1,614,072 alleles (0.000062%); no homozygotes.

Submission:

Labcorp Genetics (formerly Invitae), Labcorp
Classification: Uncertain significance for Immunodeficiency 35. Last evaluated: 2023-12-11. Review status: criteria provided, single submitter. Criteria: Invitae Variant Classification Sherloc (09022015). Collection method: clinical testing. Allele origin: germline.
Comment: This sequence change replaces arginine, which is basic and polar, with proline, which is neutral and non-polar, at codon 521 of the TYK2 protein (p.Arg521Pro). This variant is not present in population databases (gnomAD no frequency). This variant has not been reported in the literature in individuals affected with TYK2-related conditions. ClinVar contains an entry for this variant (Variation ID: 2016636). Advanced modeling of protein sequence and biophysical properties (such as structural, functional, and spatial information, amino acid conservation, physicochemical variation, residue mobility, and thermodynamic stability) performed at Invitae indicates that this missense variant is not expected to disrupt TYK2 protein function with a negative predictive value of 80%. In summary, the available evidence is currently insufficient to determine the role of this variant in disease. Therefore, it has been classified as a Variant of Uncertain Significance.

NM_003331.5(TYK2):c.1562G>C (p.Arg521Pro)

Gene: TYK2 (tyrosine kinase 2; minus strand). Cytogenetic location: 19p13.2.
Variant type: single nucleotide variant.
Coding change: c.1562G>C on transcript NM_003331.5 (MANE Select); coding-DNA position 1562, G replaced by C.
Protein change: p.Arg521Pro; replaces arginine 521 with proline.
Molecular consequence: missense variant. On other transcripts: intron variant (1).
Genome position (GRCh38, 1-based): chr19:10,362,371, C>G on the plus strand (G>C on the coding strand, the complement: TYK2 is on the minus strand). VCF-style: chr19-10362371-C-G. GRCh37 (hg19) VCF-style: chr19-10473047-C-G.
Other names: c.1562G>C, p.Arg521Pro (NM_001385197.1, NM_001385198.1, NM_001385199.1 and 6 more transcripts); c.1364G>C, p.Arg455Pro (NM_001385201.1); c.1472G>C, p.Arg491Pro (NM_001385205.1); c.1477-41G>C (NM_001385206.1); short protein forms R491P, R521P, R455P.
Identifiers: ClinVar variation 2016636 (VCV002016636.4), dbSNP rs546087218, ClinGen allele CA404007082.
Genomic context (GRCh38, chr19:10,362,371, plus strand): 5'-CCGGCCCTCAGCAAGCAGCCCTGCAAGGCAGCCCCAAGTTCCCGAACGCTGGGGAAGGAC[C>G]GGCCCCAGCCCTCCAGCACGAAGGCCCCGTCCTGCTGCTCAATGGGGAACTTTCGGAGCC-3'
Protein context (NP_003322.3, residues 511-531): DGAFVLEGWG[Arg521Pro]SFPSVRELGA